The following is an entry in ClinVar:

ClinVar aggregate classification (germline): Uncertain significance. Review status: criteria provided, multiple submitters, no conflicts (2 of 4 stars). 2 submissions from 2 submitters: Uncertain significance (2). Last evaluated 2023-10-17.

Conditions:
Gastrointestinal stromal tumor. Also called: Gastrointestinal stromal tumor, somatic; Gastrointestinal stroma tumor. Identifiers: Orphanet 44890, MedGen C0238198, MeSH D046152, MONDO:0011719, OMIM 606764, HP:0100723.
Hereditary cancer-predisposing syndrome. Also called: Neoplastic Syndromes, Hereditary; Tumor predisposition; Hereditary Cancer Syndrome; Hereditary neoplastic syndrome. Identifiers: Orphanet 140162, MedGen C0027672, MeSH D009386, MONDO:0015356.

Submissions (2):

Labcorp Genetics (formerly Invitae), Labcorp
Classification: Uncertain significance for Gastrointestinal stromal tumor. Last evaluated: 2023-10-17. Review status: criteria provided, single submitter. Criteria: Invitae Variant Classification Sherloc (09022015). Collection method: clinical testing. Allele origin: germline.
Comment: This sequence change replaces lysine, which is basic and polar, with asparagine, which is neutral and polar, at codon 454 of the PDGFRA protein (p.Lys454Asn). This variant is not present in population databases (gnomAD no frequency). This variant has not been reported in the literature in individuals affected with PDGFRA-related conditions. ClinVar contains an entry for this variant (Variation ID: 1770870). An algorithm developed to predict the effect of missense changes on protein structure and function (PolyPhen-2) suggests that this variant is likely to be tolerated. Algorithms developed to predict the effect of sequence changes on RNA splicing suggest that this variant may disrupt the consensus splice site. In summary, the available evidence is currently insufficient to determine the role of this variant in disease. Therefore, it has been classified as a Variant of Uncertain Significance.

Ambry Genetics
Classification: Uncertain significance for Hereditary cancer-predisposing syndrome. Last evaluated: 2021-12-10. Review status: criteria provided, single submitter. Criteria: Ambry Variant Classification Scheme 2023. Collection method: clinical testing. Allele origin: germline.
Comment: The p.K454N variant (also known as c.1362G>T), located in coding exon 8 of the PDGFRA gene, results from a G to T substitution at nucleotide position 1362. The lysine at codon 454 is replaced by asparagine, an amino acid with similar properties. This amino acid position is conserved. In addition, this alteration is predicted to be tolerated by in silico analysis. Since supporting evidence is limited at this time, the clinical significance of this alteration remains unclear.

NM_006206.6(PDGFRA):c.1362G>T (p.Lys454Asn)

Gene: PDGFRA (platelet derived growth factor receptor alpha; plus strand). Cytogenetic location: 4q12.
Variant type: single nucleotide variant.
Coding change: c.1362G>T on transcript NM_006206.6 (MANE Select); coding-DNA position 1362, G replaced by T.
Protein change: p.Lys454Asn; replaces lysine 454 with asparagine.
Molecular consequence: missense variant.
Genome position (GRCh38, 1-based): chr4:54,272,518, G>T. VCF-style: chr4-54272518-G-T. GRCh37 (hg19) VCF-style: chr4-55138685-G-T.
Other names: c.1362G>T, p.Lys454Asn (NM_001347827.2, NM_001347829.2); c.1437G>T, p.Lys479Asn (NM_001347828.2); c.1401G>T, p.Lys467Asn (NM_001347830.2); short protein forms K467N, K454N, K479N.
Identifiers: ClinVar variation 1770870 (VCV001770870.7), dbSNP rs768356214, ClinGen allele CA356892394.